The following is an entry in ClinVar:

ClinVar aggregate classification (germline): Pathogenic (1 of 4 stars; one submission).

Conditions:
PKD1-related disorder. Also called: PKD1-related condition.

Submission:

PreventionGenetics, part of Exact Sciences
Classification: Pathogenic for PKD1-related condition. Last evaluated: 2026-04-25. Review status: criteria provided, single submitter. Criteria: ACMG Guidelines, 2015. Collection method: clinical testing. Allele origin: germline.
Comment: The PKD1 c.11386_11389dupGCCT variant is predicted to result in a frameshift and premature protein termination (p.Tyr3797Cysfs*20). To our knowledge, this variant has not been reported in the literature or in a large population database (gnomAD), indicating this variant is rare. Frameshift variants in PKD1 are expected to be pathogenic. This variant is interpreted as pathogenic.

NM_001009944.3(PKD1):c.11386_11389dup (p.Tyr3797fs)

Genes: PKD1 (polycystin 1, transient receptor potential channel interacting; minus strand), PKD1-AS1 (PKD1 antisense RNA 1; plus strand). Cytogenetic location: 16p13.3.
Variant type: Duplication.
Coding change: c.11386_11389dup on transcript NM_001009944.3 (MANE Select); coding-DNA positions 11386 to 11389, 4 bases duplicated (GCCT; older notation c.11386_11389dupGCCT).
Protein change: p.Tyr3797fs; shifts the reading frame from tyrosine 3797.
Molecular consequence: frameshift variant.
Genome position (GRCh38, 1-based): chr16:2,092,069-2,092,072, AGGC duplicated on the plus strand (GCCT on the coding strand, the reverse complement: PKD1 is on the minus strand). VCF-style (leftmost placement, unchanged base first): chr16-2092068-T-TAGGC. GRCh37 (hg19) VCF-style: chr16-2142069-T-TAGGC.
Other names: c.11383_11386dup, p.Tyr3796fs (NM_000296.4); c.11386_11389dupGCCT (NM_001009944.2); short protein forms Y3796fs, Y3797fs.
Identifiers: ClinVar variation 4988173 (VCV004988173.1).